The following is an entry in ClinVar:

NM_005506.4(SCARB2):c.350A>G (p.Tyr117Cys)

Gene: SCARB2 (scavenger receptor class B member 2; minus strand). Cytogenetic location: 4q21.1.
Variant type: single nucleotide variant.
Coding change: c.350A>G on transcript NM_005506.4 (MANE Select); coding-DNA position 350, A replaced by G.
Protein change: p.Tyr117Cys; replaces tyrosine 117 with cysteine.
Molecular consequence: missense variant. On other transcripts: intron variant (1).
Genome position (GRCh38, 1-based): chr4:76,181,027, T>C on the plus strand (A>G on the coding strand, the complement: SCARB2 is on the minus strand). VCF-style: chr4-76181027-T-C. GRCh37 (hg19) VCF-style: chr4-77102180-T-C.
Other names: c.350A>G (NM_005506.3); c.276-5117A>G (NM_001204255.2); short protein forms Y117C.
Identifiers: ClinVar variation 1359658 (VCV001359658.9), dbSNP rs754341111, ClinGen allele CA2970355.
Genomic context (GRCh38, chr4:76,181,027, plus strand): 5'-TTTAATGTTCTAATTAAGTCAATTTTAGGGTCTCCAACAGATTGGTCTCGTTCAAAAACA[T>C]AGGCCTTGTTGCTAACAGCAGATATTGTTGTTCCATTATCTCCAAATTGAATATTTGCTT-3'
Protein context (NP_005497.1, residues 107-127): TTISAVSNKA[Tyr117Cys]VFERDQSVGD

ClinVar aggregate classification (germline): Uncertain significance. Review status: criteria provided, multiple submitters, no conflicts (2 of 4 stars). 2 submissions from 2 submitters: Uncertain significance (2). Last evaluated 2024-08-15.

Conditions:
Progressive myoclonic epilepsy. Also called: Myoclonus epilepsy; Progressive myoclonus epilepsy; Familial progressive myoclonic epilepsy; Myoclonic Epilepsies, Progressive. Identifiers: Orphanet 308, Orphanet 98261, MedGen C0751778, MONDO:0020074.

Allele frequency attached by ClinVar (database versions not stated): ExAC 0.00001; gnomAD 0.00001; gnomAD exomes 0.00001.
gnomAD v4.1: 16 of 1,613,688 alleles (0.00099%); highest among the groups gnomAD compares: Non-Finnish European, 0.0014%; no homozygotes.

Submissions (2):

Athena Diagnostics
Classification: Uncertain significance. Last evaluated: 2024-08-15. Review status: criteria provided, single submitter. Criteria: Athena Diagnostics Criteria. Collection method: clinical testing. Allele origin: unknown.
Comment: Available data are insufficient to determine the clinical significance of the variant at this time. The frequency of this variant in the general population is uninformative in assessment of its pathogenicity. Polyphen and MutationTaster predict this amino acid change may be damaging to the protein.

Labcorp Genetics (formerly Invitae), Labcorp
Classification: Uncertain significance for Progressive myoclonic epilepsy. Last evaluated: 2020-12-24. Review status: criteria provided, single submitter. Criteria: Invitae Variant Classification Sherloc (09022015). Collection method: clinical testing. Allele origin: germline.
Comment: In summary, the available evidence is currently insufficient to determine the role of this variant in disease. Therefore, it has been classified as a Variant of Uncertain Significance. Algorithms developed to predict the effect of missense changes on protein structure and function (SIFT, PolyPhen-2, Align-GVGD) all suggest that this variant is likely to be disruptive, but these predictions have not been confirmed by published functional studies and their clinical significance is uncertain. This variant has not been reported in the literature in individuals with SCARB2-related conditions. This variant is present in population databases (rs754341111, ExAC 0.002%). This sequence change replaces tyrosine with cysteine at codon 117 of the SCARB2 protein (p.Tyr117Cys). The tyrosine residue is highly conserved and there is a large physicochemical difference between tyrosine and cysteine.